The following is an entry in ClinVar:

NM_000404.4(GLB1):c.451G>A (p.Asp151Asn)

Gene: GLB1 (galactosidase beta 1; minus strand). Cytogenetic location: 3p22.3.
Variant type: single nucleotide variant.
Coding change: c.451G>A on transcript NM_000404.4 (MANE Select); coding-DNA position 451, G replaced by A.
Protein change: p.Asp151Asn; replaces aspartic acid 151 with asparagine.
Molecular consequence: missense variant. On other transcripts: intron variant (1).
Genome position (GRCh38, 1-based): chr3:33,068,236, C>T on the plus strand (G>A on the coding strand, the complement: GLB1 is on the minus strand). VCF-style: chr3-33068236-C-T. GRCh37 (hg19) VCF-style: chr3-33109728-C-T.
Other names: c.361G>A, p.Asp121Asn (NM_001079811.3); c.595G>A, p.Asp199Asn (NM_001317040.2); c.451G>A, p.Asp151Asn (NM_001393580.1); c.246-2679G>A (NM_001135602.3); short protein forms D199N, D121N, D151N.
Identifiers: ClinVar variation 1474580 (VCV001474580.10), dbSNP rs375582374, ClinGen allele CA2299699.
Genomic context (GRCh38, chr3:33,068,236, plus strand): 5'-CGCACCTAGGCTGAAGCTTTTATAAATCTTCTCAAGACATCTGTAACAACCTACCTGGGT[C>T]GGAGGAGCGGAGAAGAATAGACTCTTTCTCTAGCAGCCAAGCAGGTAATCCTCCCTAGTT-3'
Protein context (NP_000395.3, residues 141-161): EKESILLRSS[Asp151Asn]PDYLAAVDKW

ClinVar aggregate classification (germline): Likely pathogenic. Review status: criteria provided, multiple submitters, no conflicts (2 of 4 stars). 2 submissions from 2 submitters: Likely pathogenic (2). Last evaluated 2025-04-30.

Conditions:
GM1 gangliosidosis. Identifiers: Orphanet 354, MedGen C0085131, MONDO:0018149.
Mucopolysaccharidosis, MPS-IV-B (MPS4B). Also called: MORQUIO SYNDROME B; Mucopolysaccharidosis Type IVB (Morquio B Disease); Mucopolysaccharidosis type 4B; Mucopolysaccharidosis type IVB (Morquio); MPS IVB; Mucopolysaccharidosis type IV B. Identifiers: Orphanet 309310, Orphanet 582, MedGen C0086652, MONDO:0009660, OMIM 253010.
Infantile GM1 gangliosidosis. Also called: Gangliosidosis, Generalized GM1, Type 1; GM1-gangliosidosis, type I; Gangliosidosis, generalized GM1, infantile form; GLB1 deficiency; GM1 gangliosidosis type 1. Identifiers: Orphanet 354, Orphanet 79255, MedGen C0268271, MONDO:0009260, OMIM 230500.
GM1 gangliosidosis type 3. Also called: GM1-GANGLIOSIDOSIS, TYPE III; GANGLIOSIDOSIS, GENERALIZED GM1, ADULT TYPE; GANGLIOSIDOSIS, GENERALIZED GM1, CHRONIC TYPE; GANGLIOSIDOSIS, GENERALIZED GM1, TYPE III; Gangliosidosis, Generalized GM1, Type 3; Beta-galactosidase deficiency. Identifiers: Orphanet 79257, MedGen C0268273, MONDO:0009262, OMIM 230650.
GM1 gangliosidosis type 2. Also called: GM1-GANGLIOSIDOSIS, TYPE II; GANGLIOSIDOSIS, GENERALIZED GM1, JUVENILE TYPE; GANGLIOSIDOSIS, GENERALIZED GM1, TYPE II; Gangliosidosis, Generalized GM1, Type 2; Juvenile GM>1< gangliosidosis. Identifiers: Orphanet 354, Orphanet 79256, MedGen C0268272, MONDO:0009261, OMIM 230600.

Allele frequency attached by ClinVar (database versions not stated): TOPMed below 0.00001; gnomAD 0.00001; gnomAD exomes 0.00001 and 0.00002; ExAC 0.00002; ESP Exome Variant Server 0.00008.
gnomAD v4.1: 20 of 1,613,990 alleles (0.0012%); highest among the groups gnomAD compares: East Asian, 0.016%; no homozygotes.

Submissions (2):

First Genomix Gene Laboratory, Genetic Diagnostics Department
Classification: Likely pathogenic for Infantile GM1 gangliosidosis; GM1 gangliosidosis type 2; GM1 gangliosidosis type 3; Mucopolysaccharidosis, MPS-IV-B. Last evaluated: 2025-04-30. Review status: criteria provided, single submitter. Criteria: ACMG Guidelines, 2015. Collection method: clinical testing. Allele origin: germline. Inheritance: Autosomal recessive inheritance. Affected: no. Observed: 1 variant allele.

Labcorp Genetics (formerly Invitae), Labcorp
Classification: Likely pathogenic for Mucopolysaccharidosis, MPS-IV-B; GM1 gangliosidosis. Last evaluated: 2024-04-09. Review status: criteria provided, single submitter. Criteria: Invitae Variant Classification Sherloc (09022015). Collection method: clinical testing. Allele origin: germline.
Comment: This sequence change replaces aspartic acid, which is acidic and polar, with asparagine, which is neutral and polar, at codon 151 of the GLB1 protein (p.Asp151Asn). This variant is present in population databases (rs375582374, gnomAD 0.01%). This variant has not been reported in the literature in individuals affected with GLB1-related conditions. ClinVar contains an entry for this variant (Variation ID: 1474580). Advanced modeling of protein sequence and biophysical properties (such as structural, functional, and spatial information, amino acid conservation, physicochemical variation, residue mobility, and thermodynamic stability) performed at Invitae indicates that this missense variant is expected to disrupt GLB1 protein function with a positive predictive value of 95%. This variant disrupts the p.Asp151 amino acid residue in GLB1. Other variant(s) that disrupt this residue have been determined to be pathogenic (PMID: 15365997, 15791924, 32219518). This suggests that this residue is clinically significant, and that variants that disrupt this residue are likely to be disease-causing. In summary, the currently available evidence indicates that the variant is pathogenic, but additional data are needed to prove that conclusively. Therefore, this variant has been classified as Likely Pathogenic.

Literature cited by the submitters: PubMed 15365997 (cited by Labcorp Genetics (formerly Invitae), Labcorp); PubMed 15791924 (cited by Labcorp Genetics (formerly Invitae), Labcorp); PubMed 32219518 (cited by Labcorp Genetics (formerly Invitae), Labcorp).